The following is an entry in ClinVar:

NM_000053.4(ATP7B):c.628A>G (p.Ile210Val)

Gene: ATP7B (ATPase copper transporting beta; minus strand). Cytogenetic location: 13q14.3.
Variant type: single nucleotide variant.
Coding change: c.628A>G on transcript NM_000053.4 (MANE Select); coding-DNA position 628, A replaced by G.
Protein change: p.Ile210Val; replaces isoleucine 210 with valine.
Molecular consequence: missense variant.
Genome position (GRCh38, 1-based): chr13:51,974,592, T>C on the plus strand (A>G on the coding strand, the complement: ATP7B is on the minus strand). VCF-style: chr13-51974592-T-C. GRCh37 (hg19) VCF-style: chr13-52548728-T-C.
Other names: c.628A>G, p.Ile210Val (NM_001005918.3, NM_001243182.2, NM_001330578.2 and 1 more transcripts); short protein forms I210V.
Identifiers: ClinVar variation 92390 (VCV000092390.38), dbSNP rs61733680, ClinGen allele CA220311.
Genomic context (GRCh38, chr13:51,974,592, plus strand): 5'-TGCTTTGTAACCGCTCAATATCAATTGGTCCCAGGCTTAAGGGAGCCACTTTGCTCTTGA[T>C]GGCAGCTTCAAATCCCATGTCATTTACATGGTCCCTGAGGTCTTCGGGCTGAATGAGATA-3'
Protein context (NP_000044.2, residues 200-220): HVNDMGFEAA[Ile210Val]KSKVAPLSLG

ClinVar aggregate classification (germline): Conflicting classifications of pathogenicity. Review status: criteria provided, conflicting classifications (1 of 4 stars). 11 submissions from 11 submitters: Uncertain significance (3); Likely benign (7). 1 of the submissions does not count toward it. Last evaluated 2026-06-15.

Conditions:
ATP7B-related disorder. Also called: ATP7B-related condition.
Wilson disease (WND). Also called: Wilson's disease. Identifiers: Orphanet 905, MedGen C0019202, MONDO:0010200, OMIM 277900. Disease mechanism: loss of function.

Allele frequency attached by ClinVar (database versions not stated): gnomAD exomes 0.00047 and 0.00017; ESP Exome Variant Server 0.00196; gnomAD 0.00187 and 0.00204; ExAC 0.00062; TOPMed 0.00202; 1000 Genomes Project 0.00240; 1000 Genomes Project 30x 0.00312.
gnomAD v4.1: 542 of 1,613,996 alleles (0.034%); highest among the groups gnomAD compares: African/African-American, 0.64%; no homozygotes.

Submissions (11):

Women's Health and Genetics/Laboratory Corporation of America, LabCorp
Classification: Likely benign. Last evaluated: 2026-06-15. Review status: criteria provided, single submitter. Criteria: LabCorp Variant Classification Summary - May 2015. Collection method: clinical testing. Allele origin: germline.
Comment: Variant summary: ATP7B c.628A>G (p.Ile210Val) results in a conservative amino acid change located in the HMA, heavy metal-associated domain (IPR036163) of the encoded protein sequence. The variant allele was found at a frequency of 0.00047 in 249404 control chromosomes, predominantly at a frequency of 0.0062 within the African or African-American subpopulation in the gnomAD database. The observed variant frequency within African or African-American control individuals in the gnomAD database exceeds the estimated maximal expected allele frequency for disease-causing variants in ATP7B. To our knowledge, no occurrence of c.628A>G in individuals affected with ATP7B-related conditions has been reported. At least one publication reports experimental evidence evaluating an impact on protein function, however, does not allow convincing conclusions about the variant effect (Calvo_2025). The following publication has been ascertained in the context of this evaluation (PMID: 40661833). ClinVar contains an entry for this variant (Variation ID: 92390). Based on the evidence outlined above, the variant was classified as likely benign.

Labcorp Genetics (formerly Invitae), Labcorp
Classification: Likely benign for Wilson disease. Last evaluated: 2026-01-28. Review status: criteria provided, single submitter. Criteria: Invitae Variant Classification Sherloc (09022015). Collection method: clinical testing. Allele origin: germline.

Color Diagnostics, LLC DBA Color Health
Classification: Likely benign for Wilson disease. Last evaluated: 2025-06-05. Review status: criteria provided, single submitter. Criteria: ACMG Guidelines, 2015. Collection method: clinical testing. Allele origin: germline.

Lildballe Lab, Aarhus University Hospital
Classification: Likely benign for Wilson disease. Last evaluated: 2024-08-29. Review status: criteria provided, single submitter. Criteria: ACMG Guidelines, 2015. Collection method: clinical testing. Allele origin: germline. Affected: yes.
Comment: BP7

All of Us Research Program, National Institutes of Health
Classification: Uncertain significance for Wilson disease. Last evaluated: 2024-02-05. Review status: criteria provided, single submitter. Criteria: ACMG Guidelines, 2015. Collection method: clinical testing. Allele origin: germline. Inheritance: Autosomal recessive inheritance. Observed: 125 variant alleles, 125 heterozygotes.
Comment: This missense variant replaces isoleucine with valine at codon 210 of the ATP7B protein. Computational prediction suggests that this variant may not impact protein structure and function (internally defined REVEL score threshold <= 0.5, PMID: 27666373). To our knowledge, functional studies have not been reported for this variant. This variant has not been reported in individuals affected with Wilson disease in the literature. This variant has been identified in 176/280802 chromosomes in the general population by the Genome Aggregation Database (gnomAD). The available evidence is insufficient to determine the role of this variant in disease conclusively. Therefore, this variant is classified as a Variant of Uncertain Significance.

This study involves interpretation of variants in research participants for the purpose of population health screening. Participant phenotype was not available at the time of variant classification. Additional details can be found in publication PMID: 35346344, PMCID: PMC8962531

ARUP Laboratories, Molecular Genetics and Genomics, ARUP Laboratories
Classification: Uncertain significance for Wilson disease. Last evaluated: 2022-03-08. Review status: criteria provided, single submitter. Criteria: ARUP Molecular Germline Variant Investigation Process 2021. Collection method: clinical testing. Allele origin: germline.
Comment: The ATP7B c.628A>G; p.Ile210Val variant (rs61733680), to our knowledge, is not reported in the medical literature but is reported in ClinVar (Variation ID: 92390). This variant is found in the African population with an overall allele frequency of 0.63% (153/24192 alleles) in the Genome Aggregation Database. The isoleucine at codon 210 is moderately conserved and computational analyses are uncertain whether this variant is neutral or deleterious (REVEL: 0.201). However, due to limited information, the clinical significance of the p.Ile210Val variant is uncertain at this time.

Genome-Nilou Lab
Classification: Likely benign for Wilson disease. Last evaluated: 2021-08-10. Review status: criteria provided, single submitter. Criteria: ACMG Guidelines, 2015. Collection method: clinical testing. Allele origin: germline. Affected: no.

GeneDx
Classification: Likely benign. Last evaluated: 2021-06-22. Review status: criteria provided, single submitter. Criteria: GeneDx Variant Classification Process June 2021. Collection method: clinical testing. Allele origin: germline. Affected: yes.

Center for Pediatric Genomic Medicine, Children's Mercy Hospital and Clinics
Classification: Likely benign. Last evaluated: 2016-10-11. Review status: criteria provided, single submitter. Criteria: ACMG Guidelines, 2015. Collection method: clinical testing. Allele origin: germline.
ClinVar note: Converted during submission from Likely Benign to Likely benign.

Eurofins Ntd Llc (ga)
Classification: Uncertain significance. Last evaluated: 2013-02-26. Review status: criteria provided, single submitter. Criteria: EGL Classification Definitions 2015. Collection method: clinical testing. Allele origin: germline. Observed: 1 variant allele, 1 heterozygote.

PreventionGenetics, part of Exact Sciences
Classification: Likely benign for ATP7B-related condition. Last evaluated: 2020-09-25. Review status: no assertion criteria provided. Collection method: clinical testing. Allele origin: germline. Not counted in ClinVar's aggregate classification.
Comment: This variant is classified as likely benign based on ACMG/AMP sequence variant interpretation guidelines (Richards et al. 2015 PMID: 25741868, with internal and published modifications).

Literature cited by the submitters: PubMed 40661833 (cited by Women's Health and Genetics/Laboratory Corporation of America, LabCorp).